The following is an entry in ClinVar:

ClinVar aggregate classification (germline): Uncertain significance (1 of 4 stars; one submission).

Conditions:
Congenital myasthenic syndrome 14. Also called: Myasthenic syndrome, congenital, 14, with tubular aggregates. Identifiers: Orphanet 353327, Orphanet 590, MedGen C4015597, MONDO:0014543, OMIM 616228.
Congenital disorder of glycosylation, type Ii. Also called: ALG2-CDG; CDG Ii; ALG2-congenital disorder of glycosylation. Identifiers: Orphanet 79326, MedGen C1842836, MONDO:0011933, OMIM 607906.

Allele frequency attached by ClinVar (database versions not stated): gnomAD exomes 0.00001.
gnomAD v4.1: 3 of 1,592,072 alleles (0.00019%); highest among the groups gnomAD compares: Admixed American, 0.0017%; no homozygotes.

Submission:

Labcorp Genetics (formerly Invitae), Labcorp
Classification: Uncertain significance for Congenital disorder of glycosylation, type Ii; Congenital myasthenic syndrome 14. Last evaluated: 2022-11-15. Review status: criteria provided, single submitter. Criteria: Invitae Variant Classification Sherloc (09022015). Collection method: clinical testing. Allele origin: germline.
Comment: This variant is not present in population databases (gnomAD no frequency). This sequence change replaces serine, which is neutral and polar, with leucine, which is neutral and non-polar, at codon 11 of the ALG2 protein (p.Ser11Leu). This variant has not been reported in the literature in individuals affected with ALG2-related conditions. In summary, the available evidence is currently insufficient to determine the role of this variant in disease. Therefore, it has been classified as a Variant of Uncertain Significance. Algorithms developed to predict the effect of missense changes on protein structure and function output the following: SIFT: "Tolerated"; PolyPhen-2: "Benign"; Align-GVGD: "Class C0". The leucine amino acid residue is found in multiple mammalian species, which suggests that this missense change does not adversely affect protein function. ClinVar contains an entry for this variant (Variation ID: 1063273).

NM_033087.4(ALG2):c.32C>T (p.Ser11Leu)

Gene: ALG2 (ALG2 alpha-1,3/1,6-mannosyltransferase; minus strand). Cytogenetic location: 9q22.33.
Variant type: single nucleotide variant.
Coding change: c.32C>T on transcript NM_033087.4 (MANE Select); coding-DNA position 32, C replaced by T.
Protein change: p.Ser11Leu; replaces serine 11 with leucine.
Molecular consequence: missense variant. On other transcripts: non-coding transcript variant (1).
Genome position (GRCh38, 1-based): chr9:99,221,863, G>A on the plus strand (C>T on the coding strand, the complement: ALG2 is on the minus strand). VCF-style: chr9-99221863-G-A. GRCh37 (hg19) VCF-style: chr9-101984145-G-A.
Other names: short protein forms S11L.
Identifiers: ClinVar variation 1063273 (VCV001063273.9), dbSNP rs2119008980, ClinGen allele CA374233016.
Genomic context (GRCh38, chr9:99,221,863, plus strand): 5'-CGCTCAGCGCCGCCCACGCCCAGGTCTGGGTGGAGGAACAGCACCGACGGCTTGGGAACC[G>A]AGTCCCGTTCCCGGCCCTGCTCCTCCGCCATGGCCCTGGAGCCGCAACTGCACCCCGCAC-3'
Protein context (NP_149078.1, residues 1-21): MAEEQGRERD[Ser11Leu]VPKPSVLFLH